The following is an entry in ClinVar:

ClinVar aggregate classification (germline): Uncertain significance (1 of 4 stars; one submission).

Conditions:
TTN-related disorder. Also called: TTN-related disorders; TTN-related condition; TTN-related disease.

Submission:

PreventionGenetics, part of Exact Sciences
Classification: Uncertain significance for TTN-related condition. Last evaluated: 2025-03-28. Review status: criteria provided, single submitter. Criteria: ACMG Guidelines, 2015. Collection method: clinical testing. Allele origin: germline.
Comment: The TTN c.43331C>A variant is predicted to result in the amino acid substitution p.Thr14444Asn. To our knowledge, this variant has not been reported in the literature. This variant is reported in 0.0041% of alleles in individuals of African descent in gnomAD. At this time, the clinical significance of this variant is uncertain due to the absence of conclusive functional and genetic evidence.

NM_001267550.2(TTN):c.43331C>A (p.Thr14444Asn)

Gene: TTN (titin; minus strand). Cytogenetic location: 2q31.2.
Variant type: single nucleotide variant.
Coding change: c.43331C>A on transcript NM_001267550.2 (MANE Select); coding-DNA position 43331, C replaced by A.
Protein change: p.Thr14444Asn; replaces threonine 14444 with asparagine.
Molecular consequence: missense variant.
Genome position (GRCh38, 1-based): chr2:178,632,675, G>T on the plus strand (C>A on the coding strand, the complement: TTN is on the minus strand). VCF-style: chr2-178632675-G-T. GRCh37 (hg19) VCF-style: chr2-179497402-G-T.
Other names: c.38408C>A, p.Thr12803Asn (NM_001256850.1); c.16136C>A, p.Thr5379Asn (NM_003319.4); c.35627C>A, p.Thr11876Asn (NM_133378.4); c.16511C>A, p.Thr5504Asn (NM_133432.3); c.16712C>A, p.Thr5571Asn (NM_133437.4); short protein forms T5504N, T14444N, T5571N, T5379N, T11876N, T12803N.
Identifiers: ClinVar variation 4984992 (VCV004984992.1).